The following is an entry in ClinVar:

NM_001126108.2(SLC12A3):c.1412C>T (p.Ala471Val)

Gene: SLC12A3 (solute carrier family 12 member 3; plus strand). Cytogenetic location: 16q13.
Variant type: single nucleotide variant.
Coding change: c.1412C>T on transcript NM_001126108.2 (MANE Select); coding-DNA position 1412, C replaced by T.
Protein change: p.Ala471Val; replaces alanine 471 with valine.
Molecular consequence: missense variant.
Genome position (GRCh38, 1-based): chr16:56,879,618, C>T. VCF-style: chr16-56879618-C-T. GRCh37 (hg19) VCF-style: chr16-56913530-C-T.
Other names: c.1412C>T, p.Ala471Val (NM_000339.3); c.1409C>T, p.Ala470Val (NM_001126107.2); short protein forms A471V, A470V.
Identifiers: ClinVar variation 887542 (VCV000887542.7), dbSNP rs201341355, ClinGen allele CA8069460.
Genomic context (GRCh38, chr16:56,879,618, plus strand): 5'-CAGGCTTCGCGCCCCTGATCACGGCTGGCATCTTCGGGGCCACCCTCTCCTCTGCCCTGG[C>T]CTGCCTTGTCTCTGCTGCCAAAGTCTTCCAGGTGAGGCCGCAGAAAGGGGTCGAGATGAC-3'
Protein context (NP_001119580.2, residues 461-481): IFGATLSSAL[Ala471Val]CLVSAAKVFQ

ClinVar aggregate classification (germline): Uncertain significance. Review status: criteria provided, multiple submitters, no conflicts (2 of 4 stars). 3 submissions from 3 submitters: Uncertain significance (3). Last evaluated 2025-03-31.

Conditions:
Familial hypokalemia-hypomagnesemia (GTLMNS). Also called: HYPOMAGNESEMIA-HYPOKALEMIA, PRIMARY RENOTUBULAR, WITH HYPOCALCIURIA; POTASSIUM AND MAGNESIUM DEPLETION; gitelman syndrome. Identifiers: Orphanet 358, MedGen C0268450, MONDO:0009904, OMIM 263800.

Allele frequency attached by ClinVar (database versions not stated): gnomAD exomes 0.00003 and 0.00009; TOPMed 0.00006; gnomAD 0.00009 and 0.00008; ExAC 0.00009.
gnomAD v4.1: 66 of 1,613,500 alleles (0.0041%); highest among the groups gnomAD compares: Admixed American, 0.005%; no homozygotes.

Submissions (3):

GeneDx
Classification: Uncertain significance. Last evaluated: 2025-03-31. Review status: criteria provided, single submitter. Criteria: GeneDx Variant Classification Process June 2021. Collection method: clinical testing. Allele origin: germline. Affected: yes.
Comment: In silico analysis supports that this missense variant has a deleterious effect on protein structure/function; Has not been previously published as pathogenic or benign to our knowledge

Fulgent Genetics
Classification: Uncertain significance for Familial hypokalemia-hypomagnesemia. Last evaluated: 2024-04-17. Review status: criteria provided, single submitter. Criteria: ACMG Guidelines, 2015. Collection method: clinical testing. Allele origin: germline.

Illumina Laboratory Services, Illumina
Classification: Uncertain significance for Familial hypokalemia-hypomagnesemia. Last evaluated: 2018-01-12. Review status: criteria provided, single submitter. Criteria: ICSL Variant Classification Criteria 13 December 2019. Collection method: clinical testing. Allele origin: germline.